The following is an entry in ClinVar:

ClinVar aggregate classification (germline): Uncertain significance. Review status: criteria provided, multiple submitters, no conflicts (2 of 4 stars). 2 submissions from 2 submitters: Uncertain significance (2). Last evaluated 2024-10-26.

Conditions:
Inborn genetic diseases. Identifiers: MedGen C0950123, MeSH D030342.

Allele frequency attached by ClinVar (database versions not stated): TOPMed 0.00001; gnomAD exomes 0.00002; ExAC 0.00003; gnomAD 0.00001.
gnomAD v4.1: 13 of 1,594,656 alleles (0.00082%); highest among the groups gnomAD compares: Admixed American, 0.0087%; no homozygotes.

Submissions (2):

Labcorp Genetics (formerly Invitae), Labcorp
Classification: Uncertain significance. Last evaluated: 2024-10-26. Review status: criteria provided, single submitter. Criteria: Invitae Variant Classification Sherloc (09022015). Collection method: clinical testing. Allele origin: germline.
Comment: This sequence change replaces glycine, which is neutral and non-polar, with valine, which is neutral and non-polar, at codon 968 of the TUBGCP6 protein (p.Gly968Val). This variant is present in population databases (rs773900510, gnomAD 0.01%). This variant has not been reported in the literature in individuals affected with TUBGCP6-related conditions. ClinVar contains an entry for this variant (Variation ID: 1052942). An algorithm developed to predict the effect of missense changes on protein structure and function (PolyPhen-2) suggests that this variant is likely to be disruptive. In summary, the available evidence is currently insufficient to determine the role of this variant in disease. Therefore, it has been classified as a Variant of Uncertain Significance.

Ambry Genetics
Classification: Uncertain significance for Inborn genetic diseases. Last evaluated: 2021-06-01. Review status: criteria provided, single submitter. Criteria: Ambry Variant Classification Scheme 2023. Collection method: clinical testing. Allele origin: germline.

NM_020461.4(TUBGCP6):c.2903G>T (p.Gly968Val)

Gene: TUBGCP6 (tubulin gamma complex component 6; minus strand). Cytogenetic location: 22q13.33.
Variant type: single nucleotide variant.
Coding change: c.2903G>T on transcript NM_020461.4 (MANE Select); coding-DNA position 2903, G replaced by T.
Protein change: p.Gly968Val; replaces glycine 968 with valine.
Molecular consequence: missense variant.
Genome position (GRCh38, 1-based): chr22:50,221,456, C>A on the plus strand (G>T on the coding strand, the complement: TUBGCP6 is on the minus strand). VCF-style: chr22-50221456-C-A. GRCh37 (hg19) VCF-style: chr22-50659885-C-A.
Other names: c.2903G>T (NM_020461.3); short protein forms G968V.
Identifiers: ClinVar variation 1052942 (VCV001052942.6), dbSNP rs773900510, ClinGen allele CA10308091.
Genomic context (GRCh38, chr22:50,221,456, plus strand): 5'-CTGTCCTCCCACAGCTGTAGCCCTGAGCTGCCCAAGCTGCACTCTGCAGCCTGCAGGGGC[C>A]CTGGTGCAGGTGAGGTGGCCACAGCTGGCCTCAGGACAGTACTAAAGTCGTACTCCTGTG-3'
Protein context (NP_065194.3, residues 958-978): RPAVATSPAP[Gly968Val]PLQAAECSLG